The following is an entry in ClinVar:

NM_020822.3(KCNT1):c.2176G>A (p.Asp726Asn)

Gene: KCNT1 (potassium sodium-activated channel subfamily T member 1; plus strand). Cytogenetic location: 9q34.3.
Variant type: single nucleotide variant.
Coding change: c.2176G>A on transcript NM_020822.3 (MANE Select); coding-DNA position 2176, G replaced by A.
Protein change: p.Asp726Asn; replaces aspartic acid 726 with asparagine.
Molecular consequence: missense variant.
Genome position (GRCh38, 1-based): chr9:135,772,882, G>A. VCF-style: chr9-135772882-G-A. GRCh37 (hg19) VCF-style: chr9-138664728-G-A.
Other names: c.2041G>A, p.Asp681Asn (NM_001272003.2); short protein forms D726N, D681N.
Identifiers: ClinVar variation 589941 (VCV000589941.15), dbSNP rs1367605908, ClinGen allele CA375510998.

ClinVar aggregate classification (germline): Uncertain significance. Review status: criteria provided, multiple submitters, no conflicts (2 of 4 stars). 4 submissions from 3 submitters: Uncertain significance (4). Last evaluated 2022-08-23.

Conditions:
Inborn genetic diseases. Identifiers: MedGen C0950123, MeSH D030342.
Autosomal dominant nocturnal frontal lobe epilepsy 5. Also called: Epilepsy, nocturnal frontal lobe, 5; CILIARY DYSKINESIA, PRIMARY, 28, WITHOUT SITUS INVERSUS; CILIARY DYSKINESIA, PRIMARY, 28, WITH SITUS INVERSUS; KCNT1-Related Epilepsy. Identifiers: Orphanet 98784, MedGen C3554306, MONDO:0014002, OMIM 615005.
Developmental and epileptic encephalopathy, 14 (DEE14). Also called: Early infantile epileptic encephalopathy 14. Identifiers: Orphanet 293181, MedGen C3554195, MONDO:0013989, OMIM 614959.

Allele frequency attached by ClinVar (database versions not stated): gnomAD exomes 0.00001; gnomAD 0.00003.
gnomAD v4.1: 8 of 1,560,072 alleles (0.00051%); highest among the groups gnomAD compares: South Asian, 0.0012%; no homozygotes.

Submissions (4):

Labcorp Genetics (formerly Invitae), Labcorp
Classification: Uncertain significance for Autosomal dominant nocturnal frontal lobe epilepsy 5; Developmental and epileptic encephalopathy, 14. Last evaluated: 2022-08-23. Review status: criteria provided, single submitter. Criteria: Invitae Variant Classification Sherloc (09022015). Collection method: clinical testing. Allele origin: germline.
Comment: The frequency data for this variant in the population databases is considered unreliable, as metrics indicate poor data quality at this position in the gnomAD database. In summary, the available evidence is currently insufficient to determine the role of this variant in disease. Therefore, it has been classified as a Variant of Uncertain Significance. Advanced modeling of protein sequence and biophysical properties (such as structural, functional, and spatial information, amino acid conservation, physicochemical variation, residue mobility, and thermodynamic stability) performed at Invitae indicates that this missense variant is expected to disrupt KCNT1 protein function. ClinVar contains an entry for this variant (Variation ID: 589941). This variant has not been reported in the literature in individuals affected with KCNT1-related conditions. This sequence change replaces aspartic acid, which is acidic and polar, with asparagine, which is neutral and polar, at codon 726 of the KCNT1 protein (p.Asp726Asn).

Genome-Nilou Lab
Classification: Uncertain significance for Developmental and epileptic encephalopathy, 14. Last evaluated: 2022-03-15. Review status: criteria provided, single submitter. Criteria: ACMG Guidelines, 2015. Collection method: clinical testing. Allele origin: germline. Affected: no.

Genome-Nilou Lab
Classification: Uncertain significance for Autosomal dominant nocturnal frontal lobe epilepsy 5. Last evaluated: 2022-03-15. Review status: criteria provided, single submitter. Criteria: ACMG Guidelines, 2015. Collection method: clinical testing. Allele origin: germline. Affected: no.

Ambry Genetics
Classification: Uncertain significance for Inborn genetic diseases. Last evaluated: 2016-10-06. Review status: criteria provided, single submitter. Criteria: Ambry Variant Classification Scheme 2023. Collection method: clinical testing. Allele origin: germline.
Comment: The p.D726N variant (also known as c.2176G>A), located in coding exon 19 of the KCNT1 gene, results from a G to A substitution at nucleotide position 2176. The aspartic acid at codon 726 is replaced by asparagine, an amino acid with highly similar properties. This variant was not reported in population based cohorts in the following databases: Database of Single Nucleotide Polymorphisms (dbSNP), NHLBI Exome Sequencing Project (ESP), and 1000 Genomes Project. In the ESP, this variant was not observed in 6481 samples (12962 alleles) with coverage at this position. This amino acid position is highly conserved in available vertebrate species. In addition, this alteration is predicted to be tolerated by in silico analysis. Since supporting evidence is limited at this time, the clinical significance of this variant remains unclear.